The following is an entry in ClinVar:

NM_004415.4(DSP):c.2554G>A (p.Asp852Asn)

Gene: DSP (desmoplakin; plus strand). Cytogenetic location: 6p24.3.
Variant type: single nucleotide variant.
Coding change: c.2554G>A on transcript NM_004415.4 (MANE Select); coding-DNA position 2554, G replaced by A.
Protein change: p.Asp852Asn; replaces aspartic acid 852 with asparagine.
Molecular consequence: missense variant.
Genome position (GRCh38, 1-based): chr6:7,575,412, G>A. VCF-style: chr6-7575412-G-A. GRCh37 (hg19) VCF-style: chr6-7575645-G-A.
Other names: c.2554G>A, p.Asp852Asn (NM_001008844.3, NM_001319034.2); short protein forms D852N.
Identifiers: ClinVar variation 4278695 (VCV004278695.1).

ClinVar aggregate classification (germline): Uncertain significance (1 of 4 stars; one submission).

Submission:

GeneDx
Classification: Uncertain significance. Last evaluated: 2025-03-29. Review status: criteria provided, single submitter. Criteria: GeneDx Variant Classification Process June 2021. Collection method: clinical testing. Allele origin: germline. Affected: yes.
Comment: Not observed at significant frequency in large population cohorts (gnomAD); In silico analysis supports that this missense variant has a deleterious effect on protein structure/function; Has not been previously published as pathogenic or benign to our knowledge